The following is an entry in ClinVar:

NM_001142800.2(EYS):c.9190C>G (p.Leu3064Val)

Genes: EYS (EGF-like photoreceptor maintenance factor; minus strand), PHF3 (PHD finger protein 3; plus strand). Cytogenetic location: 6q12.
Variant type: single nucleotide variant.
Coding change: c.9190C>G on transcript NM_001142800.2 (MANE Select); coding-DNA position 9190, C replaced by G.
Protein change: p.Leu3064Val; replaces leucine 3064 with valine.
Molecular consequence: missense variant. On other transcripts: 3 prime UTR variant (5).
Genome position (GRCh38, 1-based): chr6:63,720,841, G>C on the plus strand (C>G on the coding strand, the complement: EYS is on the minus strand). VCF-style: chr6-63720841-G-C. GRCh37 (hg19) VCF-style: chr6-64430737-G-C.
Other names: c.*7133G>C (NM_001290259.2, NM_001370348.2, NM_001370349.2 and 2 more transcripts); c.9253C>G, p.Leu3085Val (NM_001292009.2); short protein forms L3064V, L3085V.
Identifiers: ClinVar variation 3771877 (VCV003771877.13).

ClinVar aggregate classification (germline): Likely benign (1 of 4 stars; one submission).

gnomAD v4.1: 2 of 1,551,164 alleles (0.00013%); highest among the groups gnomAD compares: Non-Finnish European, 0.00017%; no homozygotes.

Submission:

CeGaT Center for Human Genetics Tuebingen
Classification: Likely benign. Last evaluated: 2025-02-01. Review status: criteria provided, single submitter. Criteria: CeGaT Center For Human Genetics Tuebingen Variant Classification Criteria Version 2. Collection method: clinical testing. Allele origin: germline. Affected: yes. Observed: 1 variant allele.
Comment: EYS: PM2, BP1, BP4, BP5